The following is an entry in ClinVar:

ClinVar aggregate classification (germline): Conflicting classifications of pathogenicity. Review status: criteria provided, conflicting classifications (1 of 4 stars). 4 submissions from 4 submitters: Uncertain significance (3); Likely benign (1). Last evaluated 2025-04-14.

Conditions:
DYNC2I2-related disorder. Also called: DYNC2I2-related condition.
Short-rib thoracic dysplasia 11 with or without polydactyly (SRTD11). Also called: SHORT-RIB THORACIC DYSPLASIA 11 WITHOUT POLYDACTYLY. Identifiers: Orphanet 474, Orphanet 93271, MedGen C3810200, MONDO:0014287, OMIM 615633.

Allele frequency attached by ClinVar (database versions not stated): gnomAD 0.00006 and 0.00007; ExAC 0.00015; 1000 Genomes Project 30x 0.00031; 1000 Genomes Project 0.00040.
gnomAD v4.1: 80 of 1,603,886 alleles (0.005%); highest among the groups gnomAD compares: East Asian, 0.16%; no homozygotes.

Submissions (4):

PreventionGenetics, part of Exact Sciences
Classification: Likely benign for DYNC2I2-related condition. Last evaluated: 2025-04-14. Review status: criteria provided, single submitter. Criteria: ACMG Guidelines, 2015. Collection method: clinical testing. Allele origin: germline.
Comment: This variant is classified as likely benign based on ACMG/AMP sequence variant interpretation guidelines (Richards et al. 2015 PMID: 25741868, with internal and published modifications).

Labcorp Genetics (formerly Invitae), Labcorp
Classification: Uncertain significance for Short-rib thoracic dysplasia 11 with or without polydactyly. Last evaluated: 2025-01-06. Review status: criteria provided, single submitter. Criteria: Invitae Variant Classification Sherloc (09022015). Collection method: clinical testing. Allele origin: germline.
Comment: This sequence change replaces histidine, which is basic and polar, with arginine, which is basic and polar, at codon 185 of the WDR34 protein (p.His185Arg). This variant is present in population databases (rs544202763, gnomAD 0.2%). This variant has not been reported in the literature in individuals affected with WDR34-related conditions. ClinVar contains an entry for this variant (Variation ID: 1681239). An algorithm developed to predict the effect of missense changes on protein structure and function (PolyPhen-2) suggests that this variant¬†is likely to be tolerated. In summary, the available evidence is currently insufficient to determine the role of this variant in disease. Therefore, it has been classified as a Variant of Uncertain Significance.

GeneDx
Classification: Uncertain significance. Last evaluated: 2024-08-28. Review status: criteria provided, single submitter. Criteria: GeneDx Variant Classification Process June 2021. Collection method: clinical testing. Allele origin: germline.
Comment: In silico analysis supports that this missense variant has a deleterious effect on protein structure/function; Has not been previously published as pathogenic or benign to our knowledge

Breakthrough Genomics
Classification: Uncertain significance. Review status: criteria provided, single submitter. Criteria: ACMG Guidelines, 2015. Collection method: not provided. Allele origin: germline. Inheritance: Autosomal recessive inheritance. Affected: yes.

NM_052844.4(DYNC2I2):c.554A>G (p.His185Arg)

Gene: DYNC2I2 (dynein 2 intermediate chain 2; minus strand). Cytogenetic location: 9q34.11.
Variant type: single nucleotide variant.
Coding change: c.554A>G on transcript NM_052844.4 (MANE Select); coding-DNA position 554, A replaced by G.
Protein change: p.His185Arg; replaces histidine 185 with arginine.
Molecular consequence: missense variant.
Genome position (GRCh38, 1-based): chr9:128,636,430, T>C on the plus strand (A>G on the coding strand, the complement: DYNC2I2 is on the minus strand). VCF-style: chr9-128636430-T-C. GRCh37 (hg19) VCF-style: chr9-131398709-T-C.
Other names: c.554A>G (NM_052844.3); short protein forms H185R.
Identifiers: ClinVar variation 1681239 (VCV001681239.10), dbSNP rs544202763, ClinGen allele CA5266565.
Genomic context (GRCh38, chr9:128,636,430, plus strand): 5'-AGGTCTCGCCGGTCCAGGTTCCAGGCACACACGAAGGACTTAAGCGTGCTCCAGTCCCCA[T>C]GGTCCAGCCTGTGCAGGGACAGGCTTGAGCCGGCTGTGCCCCTGGGTGGGGCTCCTATCA-3'
Protein context (NP_443076.2, residues 175-195): VVACAYGRLD[His185Arg]GDWSTLKSFV